The following is an entry in ClinVar:

ClinVar aggregate classification (germline): Pathogenic/Likely pathogenic. Review status: criteria provided, multiple submitters, no conflicts (2 of 4 stars). 2 submissions from 2 submitters: Pathogenic (1); Likely pathogenic (1). Last evaluated 2022-12-21.

Conditions:
Hereditary cancer-predisposing syndrome. Also called: Hereditary Cancer Syndrome; Neoplastic Syndromes, Hereditary; Hereditary neoplastic syndrome; Tumor predisposition. Identifiers: Orphanet 140162, MedGen C0027672, MeSH D009386, MONDO:0015356.

Submissions (2):

GeneDx
Classification: Likely pathogenic. Last evaluated: 2022-12-21. Review status: criteria provided, single submitter. Criteria: GeneDx Variant Classification Process June 2021. Collection method: clinical testing. Allele origin: germline. Affected: yes.
Comment: Nonsense variant predicted to result in protein truncation or nonsense mediated decay in a gene for which loss of function is a known mechanism of disease; Not observed at significant frequency in large population cohorts (gnomAD); Observed in an individual with unilateral retinoblastoma in published literature (Parsam et al., 2009); This variant is associated with the following publications: (PMID: 25525159, 20090211, 21725359, 26981779)

Ambry Genetics
Classification: Pathogenic for Hereditary cancer-predisposing syndrome. Last evaluated: 2015-06-09. Review status: criteria provided, single submitter. Criteria: Ambry Autosomal Dominant and X-Linked criteria (10/2015). Collection method: clinical testing. Allele origin: germline. Observed: 1 variant allele.
Comment: The p.Q93* pathogenic mutation (also known as c.277C>T), located in coding exon 3 of the RB1 gene, results from a C to T substitution at nucleotide position 277. This changes the amino acid from a glutamine to a stop codon within coding exon 3. This mutation was previously identified in one individual with unilateral retinoblastoma(ParsamVL, J. Genet. 2009 Dec; 88(4):517-27).In addition to the clinical data presented in the literature, since premature stop codons are typically deleterious in nature, this alteration is interpreted as a disease-causing mutation (ACMG Recommendations for Standards for Interpretation and Reporting of Sequence Variations. Revision 2007. Genet Med. 2008;10:294).

Literature cited by the submitters: PubMed 20090211 (cited by Ambry Genetics).

NM_000321.3(RB1):c.277C>T (p.Gln93Ter)

Gene: RB1 (RB transcriptional corepressor 1; plus strand). Cytogenetic location: 13q14.2.
Variant type: single nucleotide variant.
Coding change: c.277C>T on transcript NM_000321.3 (MANE Select); coding-DNA position 277, C replaced by T.
Protein change: p.Gln93Ter; replaces glutamine 93 with a stop codon.
Molecular consequence: nonsense.
Genome position (GRCh38, 1-based): chr13:48,342,611, C>T. VCF-style: chr13-48342611-C-T. GRCh37 (hg19) VCF-style: chr13-48916747-C-T.
Other names: short protein forms Q93*.
Identifiers: ClinVar variation 428746 (VCV000428746.4), dbSNP rs1131690915, ClinGen allele CA388252335.